The following is an entry in ClinVar:

ClinVar aggregate classification (germline): Uncertain significance (1 of 4 stars; one submission).

Conditions:
Inborn genetic diseases. Identifiers: MedGen C0950123, MeSH D030342.

Submission:

Ambry Genetics
Classification: Uncertain significance for Inborn genetic diseases. Last evaluated: 2023-03-05. Review status: criteria provided, single submitter. Criteria: Ambry Variant Classification Scheme 2023. Collection method: clinical testing. Allele origin: germline.
Comment: The p.F92S variant (also known as c.275T>C), located in coding exon 3 of the RAD51 gene, results from a T to C substitution at nucleotide position 275. The phenylalanine at codon 92 is replaced by serine, an amino acid with highly dissimilar properties. This amino acid position is conserved. In addition, this alteration is predicted to be deleterious by in silico analysis. Since supporting evidence is limited at this time, the clinical significance of this alteration remains unclear.

NM_002875.5(RAD51):c.275T>C (p.Phe92Ser)

Gene: RAD51 (RAD51 recombinase; plus strand). Cytogenetic location: 15q15.1.
Variant type: single nucleotide variant.
Coding change: c.275T>C on transcript NM_002875.5 (MANE Select); coding-DNA position 275, T replaced by C.
Protein change: p.Phe92Ser; replaces phenylalanine 92 with serine.
Molecular consequence: missense variant. On other transcripts: intron variant (2).
Genome position (GRCh38, 1-based): chr15:40,706,226, T>C. VCF-style: chr15-40706226-T-C. GRCh37 (hg19) VCF-style: chr15-40998424-T-C.
Other names: c.275T>C, p.Phe92Ser (NM_001164270.2); c.347-2799T>C (NM_133487.4, NM_001164269.2); short protein forms F92S.
Identifiers: ClinVar variation 2450864 (VCV002450864.2), dbSNP rs2504436533, ClinGen allele CA391749632.
Genomic context (GRCh38, chr15:40,706,226, plus strand): 5'-ATTTTTCCCAGGCTGAGGCAGCTAAATTAGTTCCAATGGGTTTCACCACTGCAACTGAAT[T>C]CCACCAAAGGCGGTCAGAGATCATACAGATTACTACTGGCTCCAAAGAGCTTGACAAACT-3'
Protein context (NP_002866.2, residues 82-102): VPMGFTTATE[Phe92Ser]HQRRSEIIQI